The following is an entry in ClinVar:

NM_001206927.2(DNAH8):c.1592C>T (p.Thr531Met)

Gene: DNAH8 (dynein axonemal heavy chain 8; plus strand). Cytogenetic location: 6p21.2.
Variant type: single nucleotide variant.
Coding change: c.1592C>T on transcript NM_001206927.2 (MANE Select); coding-DNA position 1592, C replaced by T.
Protein change: p.Thr531Met; replaces threonine 531 with methionine.
Molecular consequence: missense variant.
Genome position (GRCh38, 1-based): chr6:38,761,778, C>T. VCF-style: chr6-38761778-C-T. GRCh37 (hg19) VCF-style: chr6-38729554-C-T.
Other names: c.941C>T, p.Thr314Met (NM_001371.4); short protein forms T531M, T314M.
Identifiers: ClinVar variation 573937 (VCV000573937.9), dbSNP rs376907315, ClinGen allele CA3788264.

ClinVar aggregate classification (germline): Uncertain significance (1 of 4 stars; one submission).

Conditions:
Primary ciliary dyskinesia. Also called: Ciliary dyskinesia. Identifiers: Orphanet 244, MedGen C0008780, MONDO:0016575, HP:0012265.

Allele frequency attached by ClinVar (database versions not stated): gnomAD exomes below 0.00001 and 0.00001; ExAC 0.00001; TOPMed 0.00002; ESP Exome Variant Server 0.00008.
gnomAD v4.1: 16 of 1,562,358 alleles (0.001%); highest among the groups gnomAD compares: East Asian, 0.0024%; no homozygotes.

Submission:

Labcorp Genetics (formerly Invitae), Labcorp
Classification: Uncertain significance for Primary ciliary dyskinesia. Last evaluated: 2018-02-13. Review status: criteria provided, single submitter. Criteria: Invitae Variant Classification Sherloc (09022015). Collection method: clinical testing. Allele origin: germline.
Comment: In summary, the available evidence is currently insufficient to determine the role of this variant in disease. Therefore, it has been classified as a Variant of Uncertain Significance. Algorithms developed to predict the effect of missense changes on protein structure and function do not agree on the potential impact of this missense change (SIFT: "Deleterious"; Align-GVGD: "Class C0"). This variant has not been reported in the literature in individuals with DNAH8-related disease. This variant is present in population databases (rs376907315, ExAC 0.01%). This sequence change replaces threonine with methionine at codon 531 of the DNAH8 protein (p.Thr531Met). The threonine residue is highly conserved and there is a moderate physicochemical difference between threonine and methionine.